The following is an entry in ClinVar:

NM_000257.4(MYH7):c.4264C>A (p.Gln1422Lys)

Genes: MHRT (myosin heavy chain associated RNA transcript; plus strand), MYH7 (myosin heavy chain 7; minus strand). Cytogenetic location: 14q11.2.
Variant type: single nucleotide variant.
Coding change: c.4264C>A on transcript NM_000257.4 (MANE Select); coding-DNA position 4264, C replaced by A.
Protein change: p.Gln1422Lys; replaces glutamine 1422 with lysine.
Molecular consequence: missense variant. On other transcripts: non-coding transcript variant (1).
Genome position (GRCh38, 1-based): chr14:23,417,592, G>T on the plus strand (C>A on the coding strand, the complement: MYH7 is on the minus strand). VCF-style: chr14-23417592-G-T. GRCh37 (hg19) VCF-style: chr14-23886801-G-T.
Other names: c.4264C>A, p.Gln1422Lys (NM_001407004.1); short protein forms Q1422K.
Identifiers: ClinVar variation 2986758 (VCV002986758.3), dbSNP rs2502251827, ClinGen allele CA389040307.

ClinVar aggregate classification (germline): Uncertain significance (1 of 4 stars; one submission).

Conditions:
Hypertrophic cardiomyopathy. Also called: HYPERTROPHIC MYOCARDIOPATHY. Identifiers: Orphanet 217569, MedGen C0007194, MeSH D002312, MONDO:0005045, HP:0001639.

Submission:

Labcorp Genetics (formerly Invitae), Labcorp
Classification: Uncertain significance for Hypertrophic cardiomyopathy. Last evaluated: 2024-01-20. Review status: criteria provided, single submitter. Criteria: Invitae Variant Classification Sherloc (09022015). Collection method: clinical testing. Allele origin: germline.
Comment: This sequence change replaces glutamine, which is neutral and polar, with lysine, which is basic and polar, at codon 1422 of the MYH7 protein (p.Gln1422Lys). This variant is not present in population databases (gnomAD no frequency). This variant has not been reported in the literature in individuals affected with MYH7-related conditions. Advanced modeling of protein sequence and biophysical properties (such as structural, functional, and spatial information, amino acid conservation, physicochemical variation, residue mobility, and thermodynamic stability) performed at Invitae indicates that this missense variant is expected to disrupt MYH7 protein function with a positive predictive value of 95%. In summary, the available evidence is currently insufficient to determine the role of this variant in disease. Therefore, it has been classified as a Variant of Uncertain Significance.